The following is an entry in ClinVar:

NM_003128.3(SPTBN1):c.6185T>C (p.Phe2062Ser)

Gene: SPTBN1 (spectrin beta, non-erythrocytic 1; plus strand). Cytogenetic location: 2p16.2.
Variant type: single nucleotide variant.
Coding change: c.6185T>C on transcript NM_003128.3 (MANE Select); coding-DNA position 6185, T replaced by C.
Protein change: p.Phe2062Ser; replaces phenylalanine 2062 with serine.
Molecular consequence: missense variant.
Genome position (GRCh38, 1-based): chr2:54,657,988, T>C. VCF-style: chr2-54657988-T-C. GRCh37 (hg19) VCF-style: chr2-54885125-T-C.
Other names: c.6146T>C, p.Phe2049Ser (NM_178313.3); short protein forms F2062S, F2049S.
Identifiers: ClinVar variation 4174302 (VCV004174302.2).

ClinVar aggregate classification (germline): Uncertain significance (1 of 4 stars; one submission).

Conditions:
Inborn genetic diseases. Identifiers: MedGen C0950123, MeSH D030342.

Submission:

Ambry Genetics
Classification: Uncertain significance for Inborn genetic diseases. Last evaluated: 2025-10-22. Review status: criteria provided, single submitter. Criteria: Ambry Variant Classification Scheme 2023. Collection method: clinical testing. Allele origin: germline.
Comment: The c.6185T>C (p.F2062S) alteration is located in exon 30 (coding exon 29) of the SPTBN1 gene. This alteration results from a T to C substitution at nucleotide position 6185, causing the phenylalanine (F) at amino acid position 2062 to be replaced by a serine (S). This variant was not reported in population-based cohorts in the Genome Aggregation Database (gnomAD). This amino acid position is highly conserved in available vertebrate species. This alteration is predicted to be deleterious by in silico analysis. Based on insufficient or conflicting evidence, the clinical significance of this alteration remains unclear.